The following is an entry in ClinVar:

ClinVar aggregate classification (germline): Pathogenic (1 of 4 stars; one submission).

Conditions:
Neurofibromatosis, type 1 (NF1). Also called: VON RECKLINGHAUSEN DISEASE; Peripheral type neurofibromatosis; NEUROFIBROMATOSIS, TYPE I, SOMATIC; Neurofibromatosis, type I. Identifiers: Orphanet 636, MedGen C0027831, MONDO:0018975, OMIM 162200. Disease mechanism: loss of function.

Submission:

Labcorp Genetics (formerly Invitae), Labcorp
Classification: Pathogenic for Neurofibromatosis, type 1. Last evaluated: 2020-10-13. Review status: criteria provided, single submitter. Criteria: Invitae Variant Classification Sherloc (09022015). Collection method: clinical testing. Allele origin: germline.
Comment: For these reasons, this variant has been classified as Pathogenic. The region of the NF1 gene that includes exon(s) 2 and 9-12 have been determined to be clinically significant (PMID: 16283621, 17311297, Invitae). Therefore, deletions that encompass these regions are likely to disrupt protein function and cause disease. This variant has not been reported in the literature in individuals with NF1-related conditions. This variant is an in-frame deletion of the genomic region encompassing exon(s) 2-30 of the NF1 gene. It preserves the integrity of the reading frame.

Literature cited by the submitters: PubMed 16283621; PubMed 17311297.

NC_000017.10:g.(?_29482991)_(29577082_?)del

Gene: NF1 (neurofibromin 1; plus strand). Cytogenetic location: 17q11.2.
Variant type: Deletion.
Identifiers: ClinVar variation 1076038 (VCV001076038.3).